The following is an entry in ClinVar:

ClinVar aggregate classification (germline): Conflicting classifications of pathogenicity. Review status: criteria provided, conflicting classifications (1 of 4 stars). 3 submissions from 3 submitters: Likely pathogenic (2); Uncertain significance (1). Last evaluated 2024-03-26.

Conditions:
Aortic aneurysm, familial thoracic 7 (AAT7). Also called: AORTIC DISSECTION, FAMILIAL, WITH OR WITHOUT AORTIC ANEURYSM. Identifiers: MedGen C3151077, MONDO:0013418, OMIM 613780.

Allele frequency attached by ClinVar (database versions not stated): gnomAD exomes 0.00001; ExAC 0.00002; gnomAD 0.00002; TOPMed 0.00002.
gnomAD v4.1: 12 of 1,613,408 alleles (0.00074%); highest among the groups gnomAD compares: African/African-American, 0.0027%; no homozygotes.

Submissions (3):

Genomic Medicine Center of Excellence, King Faisal Specialist Hospital and Research Centre
Classification: Likely pathogenic for Aortic aneurysm, familial thoracic 7. Last evaluated: 2024-03-26. Review status: criteria provided, single submitter. Criteria: ACMG Guidelines, 2015. Collection method: clinical testing. Allele origin: germline.

Labcorp Genetics (formerly Invitae), Labcorp
Classification: Uncertain significance for Aortic aneurysm, familial thoracic 7. Last evaluated: 2024-02-23. Review status: criteria provided, single submitter. Criteria: Invitae Variant Classification Sherloc (09022015). Collection method: clinical testing. Allele origin: germline.
Comment: This sequence change creates a premature translational stop signal (p.Arg169*) in the MYLK gene. This variant occurs in the long isoform of MYLK (PMID: 21055718). The current clinical and genetic evidence is not sufficient to establish whether loss-of-function variants in the long isoform of MYLK cause disease. This variant is present in population databases (rs778050996, gnomAD 0.008%). This variant has not been reported in the literature in individuals affected with MYLK-related conditions. ClinVar contains an entry for this variant (Variation ID: 617898). In summary, the available evidence is currently insufficient to determine the role of this variant in disease. Therefore, it has been classified as a Variant of Uncertain Significance.

Equipe Genetique des Anomalies du Developpement, Université de Bourgogne
Classification: Likely pathogenic for Aortic aneurysm, familial thoracic 7. Last evaluated: 2018-11-21. Review status: criteria provided, single submitter. Criteria: ACMG Guidelines, 2015. Collection method: clinical testing. Allele origin: unknown.

Literature cited by the submitters: PubMed 21055718 (cited by Labcorp Genetics (formerly Invitae), Labcorp).

NM_053025.4(MYLK):c.505C>T (p.Arg169Ter)

Gene: MYLK (myosin light chain kinase; minus strand). Cytogenetic location: 3q21.1.
Variant type: single nucleotide variant.
Coding change: c.505C>T on transcript NM_053025.4 (MANE Select); coding-DNA position 505, C replaced by T.
Protein change: p.Arg169Ter; replaces arginine 169 with a stop codon.
Molecular consequence: nonsense. On other transcripts: 5 prime UTR variant (1).
Genome position (GRCh38, 1-based): chr3:123,738,980, G>A on the plus strand (C>T on the coding strand, the complement: MYLK is on the minus strand). VCF-style: chr3-123738980-G-A. GRCh37 (hg19) VCF-style: chr3-123457827-G-A.
Other names: c.-24C>T (NM_001321309.2); c.505C>T, p.Arg169Ter (NM_053026.4, NM_053027.4, NM_053028.4); short protein forms R169*.
Identifiers: ClinVar variation 617898 (VCV000617898.10), dbSNP rs778050996, ClinGen allele CA072743.